The following is an entry in ClinVar:

ClinVar aggregate classification (germline): Uncertain significance. Review status: criteria provided, multiple submitters, no conflicts (2 of 4 stars). 2 submissions from 2 submitters: Uncertain significance (2). Last evaluated 2022-08-07.

Conditions:
Bardet-Biedl syndrome 2 (BBS2). Identifiers: Orphanet 110, MedGen C2936863, MONDO:0014432, OMIM 615981.
Bardet-Biedl syndrome (BBS). Identifiers: Orphanet 110, MedGen C0752166, MONDO:0015229.

Submissions (2):

Labcorp Genetics (formerly Invitae), Labcorp
Classification: Uncertain significance for Bardet-Biedl syndrome. Last evaluated: 2022-08-07. Review status: criteria provided, single submitter. Criteria: Invitae Variant Classification Sherloc (09022015). Collection method: clinical testing. Allele origin: germline.
Comment: Algorithms developed to predict the effect of missense changes on protein structure and function are either unavailable or do not agree on the potential impact of this missense change (SIFT: "Deleterious"; PolyPhen-2: "Benign"; Align-GVGD: "Class C15"). This variant has not been reported in the literature in individuals affected with BBS2-related conditions. This variant is not present in population databases (gnomAD no frequency). This sequence change replaces cysteine, which is neutral and slightly polar, with arginine, which is basic and polar, at codon 169 of the BBS2 protein (p.Cys169Arg). In summary, the available evidence is currently insufficient to determine the role of this variant in disease. Therefore, it has been classified as a Variant of Uncertain Significance.

Kasturba Medical College, Manipal, Kasturba Medical College, Manipal, Manipal Academy of Higher Education, Manipal, India
Classification: Uncertain significance for Bardet-Biedl syndrome 2. Review status: criteria provided, single submitter. Criteria: ACMG Guidelines, 2015. Collection method: clinical testing. Allele origin: biparental. Inheritance: Autosomal recessive inheritance. Affected: yes. Observed: 1 homozygote.

NM_031885.5(BBS2):c.505T>C (p.Cys169Arg)

Gene: BBS2 (Bardet-Biedl syndrome 2; minus strand). Cytogenetic location: 16q13.
Variant type: single nucleotide variant.
Coding change: c.505T>C on transcript NM_031885.5 (MANE Select); coding-DNA position 505, T replaced by C.
Protein change: p.Cys169Arg; replaces cysteine 169 with arginine.
Molecular consequence: missense variant. On other transcripts: non-coding transcript variant (5).
Genome position (GRCh38, 1-based): chr16:56,510,888, A>G on the plus strand (T>C on the coding strand, the complement: BBS2 is on the minus strand). VCF-style: chr16-56510888-A-G. GRCh37 (hg19) VCF-style: chr16-56544800-A-G.
Other names: c.505T>C, p.Cys169Arg (NM_001377456.1); short protein forms C169R.
Identifiers: ClinVar variation 1715466 (VCV001715466.7), dbSNP rs2543732277, ClinGen allele CA395984210.